The following is an entry in ClinVar:

ClinVar aggregate classification (germline): Likely benign (1 of 4 stars; one submission).

Conditions:
SYNE1-related disorder. Also called: SYNE1-related disease; SYNE1-related condition; SYNE1-related disorders.

gnomAD v4.1: 1 of 1,614,250 alleles (0.000062%); highest among the groups gnomAD compares: Non-Finnish European, 0.000085%; no homozygotes.

Submission:

PreventionGenetics, part of Exact Sciences
Classification: Likely benign for SYNE1-related condition. Last evaluated: 2026-02-20. Review status: criteria provided, single submitter. Criteria: ACMG Guidelines, 2015. Collection method: clinical testing. Allele origin: germline.
Comment: This variant is classified as likely benign based on ACMG/AMP sequence variant interpretation guidelines (Richards et al. 2015 PMID: 25741868, with internal and published modifications).

NM_182961.4(SYNE1):c.25548G>A (p.Glu8516=)

Gene: SYNE1 (spectrin repeat containing nuclear envelope protein 1; minus strand). Cytogenetic location: 6q25.2.
Variant type: single nucleotide variant.
Coding change: c.25548G>A on transcript NM_182961.4 (MANE Select); coding-DNA position 25548, G replaced by A.
Protein change: p.Glu8516=; no amino-acid change (glutamic acid 8516 retained).
Molecular consequence: synonymous variant.
Genome position (GRCh38, 1-based): chr6:152,136,729, C>T on the plus strand (G>A on the coding strand, the complement: SYNE1 is on the minus strand). VCF-style: chr6-152136729-C-T. GRCh37 (hg19) VCF-style: chr6-152457864-C-T.
Other names: c.2154G>A, p.Glu718= (NM_001347701.2); c.2082G>A, p.Glu694= (NM_001347702.2); c.25404G>A, p.Glu8468= (NM_033071.5).
Identifiers: ClinVar variation 4996529 (VCV004996529.1).
Genomic context (GRCh38, chr6:152,136,729, plus strand): 5'-AGAGCACACTCGGTCCCAGCGCCCATTCATCTGCGACAAGCGATCCTGCAGGTCCCGGCT[C>T]TCCTTGCTGTCAGCCTGGGTGAACTCAGGGCTGCAGAGATTGATGGAGAGGATGATGGCT-3'
Protein context (NP_892006.3, residues 8506-8526): SPEFTQADSK[Glu8516=]SRDLQDRLSQ